The following is an entry in ClinVar:

NM_001349253.2(SCN11A):c.1929T>G (p.Ile643Met)

Gene: SCN11A (sodium voltage-gated channel alpha subunit 11; minus strand). Cytogenetic location: 3p22.2.
Variant type: single nucleotide variant.
Coding change: c.1929T>G on transcript NM_001349253.2 (MANE Select); coding-DNA position 1929, T replaced by G.
Protein change: p.Ile643Met; replaces isoleucine 643 with methionine.
Molecular consequence: missense variant.
Genome position (GRCh38, 1-based): chr3:38,899,987, A>C on the plus strand (T>G on the coding strand, the complement: SCN11A is on the minus strand). VCF-style: chr3-38899987-A-C. GRCh37 (hg19) VCF-style: chr3-38941478-A-C.
Other names: c.1929T>G, p.Ile643Met (NM_014139.3); short protein forms I643M.
Identifiers: ClinVar variation 943952 (VCV000943952.6), dbSNP rs2065670726, ClinGen allele CA352161706.

ClinVar aggregate classification (germline): Uncertain significance (1 of 4 stars; one submission).

Conditions:
Familial episodic pain syndrome with predominantly lower limb involvement. Also called: Episodic pain syndrome, familial, 3. Identifiers: Orphanet 391384, Orphanet 391392, MedGen C3809899, MONDO:0014247, OMIM 615552.
Hereditary sensory and autonomic neuropathy type 7. Also called: HSAN VII; Neuropathy, hereditary sensory and autonomic, type VII. Identifiers: Orphanet 391397, MedGen C3809882, MONDO:0014244, OMIM 615548.

Submission:

Labcorp Genetics (formerly Invitae), Labcorp
Classification: Uncertain significance for Familial episodic pain syndrome with predominantly lower limb involvement; Hereditary sensory and autonomic neuropathy type 7. Last evaluated: 2020-02-21. Review status: criteria provided, single submitter. Criteria: Invitae Variant Classification Sherloc (09022015). Collection method: clinical testing. Allele origin: germline.
Comment: This sequence change replaces isoleucine with methionine at codon 643 of the SCN11A protein (p.Ile643Met). The isoleucine residue is highly conserved and there is a small physicochemical difference between isoleucine and methionine. This variant is not present in population databases (ExAC no frequency). This variant has not been reported in the literature in individuals with SCN11A-related conditions. Algorithms developed to predict the effect of missense changes on protein structure and function are either unavailable or do not agree on the potential impact of this missense change (SIFT: "Deleterious"; PolyPhen-2: "Possibly Damaging"; Align-GVGD: "Class C0"). In summary, the available evidence is currently insufficient to determine the role of this variant in disease. Therefore, it has been classified as a Variant of Uncertain Significance.